The following is an entry in ClinVar:

NM_133510.4(RAD51B):c.616C>A (p.Leu206Ile)

Gene: RAD51B (RAD51 paralog B; plus strand). Cytogenetic location: 14q24.1.
Variant type: single nucleotide variant.
Coding change: c.616C>A on transcript NM_133510.4 (MANE Select); coding-DNA position 616, C replaced by A.
Protein change: p.Leu206Ile; replaces leucine 206 with isoleucine.
Molecular consequence: missense variant.
Genome position (GRCh38, 1-based): chr14:67,887,064, C>A. VCF-style: chr14-67887064-C-A. GRCh37 (hg19) VCF-style: chr14-68353781-C-A.
Other names: c.616C>A, p.Leu206Ile (NM_001321809.2, NM_001321810.2, NM_001321812.1 and 6 more transcripts); c.502C>A, p.Leu168Ile (NM_001321815.1); c.259C>A, p.Leu87Ile (NM_001321817.2); short protein forms L206I, L87I, L168I.
Identifiers: ClinVar variation 3786406 (VCV003786406.1).

ClinVar aggregate classification (germline): Uncertain significance (1 of 4 stars; one submission).

Submission:

Ambry Genetics
Classification: Uncertain significance. Last evaluated: 2025-01-05. Review status: criteria provided, single submitter. Criteria: Ambry Variant Classification Scheme 2023. Collection method: clinical testing. Allele origin: germline.
Comment: The p.L206I variant (also known as c.616C>A), located in coding exon 6 of the RAD51B gene, results from a C to A substitution at nucleotide position 616. The leucine at codon 206 is replaced by isoleucine, an amino acid with highly similar properties. This amino acid position is conserved. In addition, this alteration is predicted to be tolerated by in silico analysis. Based on the available evidence, the clinical significance of this variant remains unclear.